The following is an entry in ClinVar:

ClinVar aggregate classification (germline): Uncertain significance (1 of 4 stars; one submission).

Conditions:
SCAPER-related disorder. Also called: SCAPER-related condition.

Submission:

PreventionGenetics, part of Exact Sciences
Classification: Uncertain significance for SCAPER-related condition. Last evaluated: 2026-08-10. Review status: criteria provided, single submitter. Criteria: ACMG Guidelines, 2015. Collection method: clinical testing. Allele origin: germline.
Comment: The SCAPER c.2426C>T variant is predicted to result in the amino acid substitution p.Ser809Leu. To our knowledge, this variant has not been reported in the literature or in a large population database (gnomAD), indicating this variant is rare. At this time, the clinical significance of this variant is uncertain due to the absence of conclusive functional and genetic evidence.

NM_020843.4(SCAPER):c.2408C>T (p.Ser803Leu)

Gene: SCAPER (S-phase cyclin A associated protein in the ER; minus strand). Cytogenetic location: 15q24.3.
Variant type: single nucleotide variant.
Coding change: c.2408C>T on transcript NM_020843.4 (MANE Select); coding-DNA position 2408, C replaced by T.
Protein change: p.Ser803Leu; replaces serine 803 with leucine.
Molecular consequence: missense variant. On other transcripts: non-coding transcript variant (1).
Genome position (GRCh38, 1-based): chr15:76,701,858, G>A on the plus strand (C>T on the coding strand, the complement: SCAPER is on the minus strand). VCF-style: chr15-76701858-G-A. GRCh37 (hg19) VCF-style: chr15-76994199-G-A.
Other names: c.1670C>T, p.Ser557Leu (NM_001145923.2); c.2426C>T, p.Ser809Leu (NM_001353009.2); c.2006C>T, p.Ser669Leu (NM_001353010.2, NM_001353012.2); c.2024C>T, p.Ser675Leu (NM_001353011.2); short protein forms S669L, S803L, S557L, S675L, S809L.
Identifiers: ClinVar variation 4983155 (VCV004983155.1).